The following is an entry in ClinVar:

ClinVar aggregate classification (germline): Uncertain significance (0 of 4 stars; one submission).

Conditions:
NOTCH2-related disorder. Also called: NOTCH2-related condition.

gnomAD v4.1: 4 of 1,614,134 alleles (0.00025%); highest among the groups gnomAD compares: East Asian, 0.0045%; no homozygotes.

Submission:

PreventionGenetics, part of Exact Sciences
Classification: Uncertain significance for NOTCH2-related condition. Last evaluated: 2024-05-21. Review status: no assertion criteria provided. Collection method: clinical testing. Allele origin: germline.
Comment: The NOTCH2 c.1789C>T variant is predicted to result in the amino acid substitution p.Pro597Ser. To our knowledge, this variant has not been reported in the literature. This variant is reported in 0.0054% of alleles in individuals of East Asian descent in gnomAD. At this time, the clinical significance of this variant is uncertain due to the absence of conclusive functional and genetic evidence.

NM_024408.4(NOTCH2):c.1789C>T (p.Pro597Ser)

Gene: NOTCH2 (notch receptor 2; minus strand). Cytogenetic location: 1p12.
Variant type: single nucleotide variant.
Coding change: c.1789C>T on transcript NM_024408.4 (MANE Select); coding-DNA position 1789, C replaced by T.
Protein change: p.Pro597Ser; replaces proline 597 with serine.
Molecular consequence: missense variant.
Genome position (GRCh38, 1-based): chr1:119,963,700, G>A on the plus strand (C>T on the coding strand, the complement: NOTCH2 is on the minus strand). VCF-style: chr1-119963700-G-A. GRCh37 (hg19) VCF-style: chr1-120506323-G-A.
Other names: c.1789C>T, p.Pro597Ser (NM_001200001.2); short protein forms P597S.
Identifiers: ClinVar variation 3357547 (VCV003357547.1).